The following is an entry in ClinVar:

NM_004982.4(KCNJ8):c.425G>A (p.Gly142Glu)

Genes: KCNJ8 (potassium inwardly rectifying channel subfamily J member 8; minus strand), KCNJ8-AS1 (KCNJ8 antisense RNA 1; plus strand). Cytogenetic location: 12p12.1.
Variant type: single nucleotide variant.
Coding change: c.425G>A on transcript NM_004982.4 (MANE Select); coding-DNA position 425, G replaced by A.
Protein change: p.Gly142Glu; replaces glycine 142 with glutamic acid.
Molecular consequence: missense variant.
Genome position (GRCh38, 1-based): chr12:21,766,573, C>T on the plus strand (G>A on the coding strand, the complement: KCNJ8 is on the minus strand). VCF-style: chr12-21766573-C-T. GRCh37 (hg19) VCF-style: chr12-21919507-C-T.
Other names: short protein forms G142E.
Identifiers: ClinVar variation 4527383 (VCV004527383.1).
Genomic context (GRCh38, chr12:21,766,573, plus strand): 5'-TGGAGAATCAAAACCGTGATGGCCAAAGGGCATTCCTCTGTCATCATCCTCCCTCCAAAC[C>T]CAATGGTAACTTGAACTTCAATGGAGAAGAGAAAAGCAGAAGTGAAAGACCTGTGAGGAA-3'
Protein context (NP_004973.1, residues 132-152): LFSIEVQVTI[Gly142Glu]FGGRMMTEEC

ClinVar aggregate classification (germline): Uncertain significance (1 of 4 stars; one submission).

Submission:

GeneDx
Classification: Uncertain significance. Last evaluated: 2025-04-24. Review status: criteria provided, single submitter. Criteria: GeneDx Variant Classification Process June 2021. Collection method: clinical testing. Allele origin: germline. Affected: yes.
Comment: Not observed at significant frequency in large population cohorts (gnomAD); In silico analysis supports that this missense variant has a deleterious effect on protein structure/function; Has not been previously published as pathogenic or benign to our knowledge